The following is an entry in ClinVar:

NM_003107.3(SOX4):c.418A>C (p.Asn140His)

Gene: SOX4 (SRY-box transcription factor 4; plus strand). Cytogenetic location: 6p22.3.
Variant type: single nucleotide variant.
Coding change: c.418A>C on transcript NM_003107.3 (MANE Select); coding-DNA position 418, A replaced by C.
Protein change: p.Asn140His; replaces asparagine 140 with histidine.
Molecular consequence: missense variant.
Genome position (GRCh38, 1-based): chr6:21,594,952, A>C. VCF-style: chr6-21594952-A-C. GRCh37 (hg19) VCF-style: chr6-21595183-A-C.
Other names: short protein forms N140H.
Identifiers: ClinVar variation 3030641 (VCV003030641.3), dbSNP rs771504202, ClinGen allele CA3653583.

ClinVar aggregate classification (germline): Uncertain significance. Review status: criteria provided, single submitter (1 of 4 stars). 2 submissions from 2 submitters: Uncertain significance (1). 1 of the submissions does not count toward it. Last evaluated 2024-11-13.

Conditions:
Inborn genetic diseases. Identifiers: MedGen C0950123, MeSH D030342.
SOX4-related disorder. Also called: SOX4-related condition.

Allele frequency attached by ClinVar (database versions not stated): ExAC 0.00002; gnomAD exomes 0.00010; TOPMed 0.00010; gnomAD 0.00011.

Submissions (2):

Ambry Genetics
Classification: Uncertain significance for Inborn genetic diseases. Last evaluated: 2024-11-13. Review status: criteria provided, single submitter. Criteria: Ambry Variant Classification Scheme 2023. Collection method: clinical testing. Allele origin: germline.

PreventionGenetics, part of Exact Sciences
Classification: Likely benign for SOX4-related condition. Last evaluated: 2023-06-09. Review status: no assertion criteria provided. Collection method: clinical testing. Allele origin: germline. Not counted in ClinVar's aggregate classification.
Comment: This variant is classified as likely benign based on ACMG/AMP sequence variant interpretation guidelines (Richards et al. 2015 PMID: 25741868, with internal and published modifications).